The following is an entry in ClinVar:

ClinVar aggregate classification (germline): Uncertain significance (1 of 4 stars; one submission).

Submission:

Labcorp Genetics (formerly Invitae), Labcorp
Classification: Uncertain significance. Last evaluated: 2021-11-25. Review status: criteria provided, single submitter. Criteria: Invitae Variant Classification Sherloc (09022015). Collection method: clinical testing. Allele origin: germline.
Comment: This sequence change falls in intron 48 of the POLE gene. It does not directly change the encoded amino acid sequence of the POLE protein. It affects a nucleotide within the consensus splice site. This variant is not present in population databases (gnomAD no frequency). This variant has not been reported in the literature in individuals affected with POLE-related conditions. Variants that disrupt the consensus splice site are a relatively common cause of aberrant splicing (PMID: 17576681, 9536098). Algorithms developed to predict the effect of sequence changes on RNA splicing suggest that this variant may disrupt the consensus splice site. In summary, the available evidence is currently insufficient to determine the role of this variant in disease. Therefore, it has been classified as a Variant of Uncertain Significance.

Literature cited by the submitters: PubMed 17576681; PubMed 9536098.

NM_006231.4(POLE):c.6747+5G>T

Gene: POLE (DNA polymerase epsilon, catalytic subunit; minus strand). Cytogenetic location: 12q24.33.
Variant type: single nucleotide variant.
Coding change: c.6747+5G>T on transcript NM_006231.4 (MANE Select); 5 bases into the intron after coding-DNA position 6747, G replaced by T.
Molecular consequence: intron variant.
Genome position (GRCh38, 1-based): chr12:132,624,900, C>A on the plus strand (G>T on the coding strand, the complement: POLE is on the minus strand). VCF-style: chr12-132624900-C-A. GRCh37 (hg19) VCF-style: chr12-133201486-C-A.
Identifiers: ClinVar variation 1352631 (VCV001352631.6), dbSNP rs1555300791, ClinGen allele CA2573148136.
Genomic context (GRCh38, chr12:132,624,900, plus strand): 5'-CCAGTCCACTCAGAGAGGAGGCCAAGGAGGCCAGGCTGAGCCGAGGCAGATGAGGGAGAG[C>A]CCACCTGGGTGTGGATGGTGAGGGCGAAGTCTCCCGCGCAGCTGCAGTACACAGGCATGC-3'